The following is an entry in ClinVar:

ClinVar aggregate classification (germline): Benign/Likely benign. Review status: criteria provided, multiple submitters, no conflicts (2 of 4 stars). 10 submissions from 10 submitters: Benign (6); Likely benign (3). 1 of the submissions does not count toward it. Last evaluated 2025-06-04.

Conditions:
Autosomal dominant polycystic kidney disease. Identifiers: Orphanet 730, MedGen C0085413, MONDO:0004691.
Polycystic kidney disease, adult type (PKD1). Also called: Polycystic Kidney, Autosomal Dominant; Polycystic Kidney Disease 1, Autosomal Dominant; Polycystic kidney disease 1; Polycystic kidney disease 1, severe; POLYCYSTIC KIDNEY DISEASE 1 WITH OR WITHOUT POLYCYSTIC LIVER DISEASE; POLYCYSTIC KIDNEY DISEASE, ADULT, TYPE I. Identifiers: MedGen C3149841, MONDO:0008263, OMIM 173900.
Polycystic kidney disease. Also called: Polycystic kidney dysplasia; Kidney, Polycystic. Identifiers: MedGen C0022680, MeSH D007690, MONDO:0020642, HP:0000113.

Allele frequency attached by ClinVar (database versions not stated): gnomAD exomes 0.07212; ExAC 0.07513; 1000 Genomes Project 0.18351; 1000 Genomes Project 30x 0.19176; gnomAD 0.19794 and 0.20904; TOPMed 0.21654.

Submissions (10):

Women's Health and Genetics/Laboratory Corporation of America, LabCorp
Classification: Likely benign. Last evaluated: 2025-06-04. Review status: criteria provided, single submitter. Criteria: LabCorp Variant Classification Summary - May 2015. Collection method: clinical testing. Allele origin: germline.

Blueprint Genetics
Classification: Benign. Last evaluated: 2024-11-27. Review status: criteria provided, single submitter. Criteria: ACMG Guidelines, 2015. Collection method: clinical testing. Allele origin: germline.

Mayo Clinic Laboratories, Mayo Clinic
Classification: Benign. Last evaluated: 2022-04-26. Review status: criteria provided, single submitter. Criteria: ACMG Guidelines, 2015. Collection method: clinical testing. Allele origin: germline. Observed: 228 variant alleles.

ARUP Laboratories, Molecular Genetics and Genomics, ARUP Laboratories
Classification: Benign for Polycystic kidney disease, adult type. Last evaluated: 2020-07-07. Review status: criteria provided, single submitter. Criteria: ARUP Molecular Germline Variant Investigation Process. Collection method: clinical testing. Allele origin: germline.

GeneDx
Classification: Benign. Last evaluated: 2019-12-30. Review status: criteria provided, single submitter. Criteria: GeneDx Variant Classification Process June 2021. Collection method: clinical testing. Allele origin: germline. Affected: yes.
Comment: This variant is associated with the following publications: (PMID: 22608885)

Molecular Genetics of Inherited Kidney Disorders Laboratory, Garvan Institute of Medical Research
Classification: Likely benign for Autosomal dominant polycystic kidney disease. Last evaluated: 2019-01-01. Review status: criteria provided, single submitter. Criteria: ACMG Guidelines, 2015. Collection method: research. Allele origin: germline. Affected: yes.

Athena Diagnostics
Classification: Benign for Polycystic kidney disease, adult type. Last evaluated: 2017-06-05. Review status: criteria provided, single submitter. Criteria: Athena Diagnostics Criteria. Collection method: clinical testing. Allele origin: germline.

Breakthrough Genomics
Classification: Likely benign. Review status: criteria provided, single submitter. Criteria: ACMG Guidelines, 2015. Collection method: not provided. Allele origin: germline. Inheritance: Autosomal dominant inheritance. Affected: yes.

PreventionGenetics, part of Exact Sciences
Classification: Benign. Review status: criteria provided, single submitter. Criteria: ACMG Guidelines, 2015. Collection method: clinical testing. Allele origin: germline.

Department of Pathology and Laboratory Medicine, Sinai Health System
Classification: Benign for Polycystic Kidney disease. Review status: no assertion criteria provided. Collection method: clinical testing. Allele origin: unknown. Affected: yes. Study: The Canadian Open Genetics Repository (COGR). Not counted in ClinVar's aggregate classification.
Comment: The c.3275T>C, p.Met1092Thr variant was identified in 7.5% of 6086 control alleles in the Exome Aggregation Consortium (March 14, 2016). According to ACMG guidelines for variant classification based on allele frequency, category BA1, this variant is considered benign and has not been further reviewed (Richards 2015).

NM_001009944.3(PKD1):c.3275T>C (p.Met1092Thr)

Gene: PKD1 (polycystin 1, transient receptor potential channel interacting; minus strand). Cytogenetic location: 16p13.3.
Variant type: single nucleotide variant.
Coding change: c.3275T>C on transcript NM_001009944.3 (MANE Select); coding-DNA position 3275, T replaced by C.
Protein change: p.Met1092Thr; replaces methionine 1092 with threonine.
Molecular consequence: missense variant.
Genome position (GRCh38, 1-based): chr16:2,112,360, A>G on the plus strand (T>C on the coding strand, the complement: PKD1 is on the minus strand). VCF-style: chr16-2112360-A-G. GRCh37 (hg19) VCF-style: chr16-2162361-A-G.
Other names: c.3275T>C, p.Met1092Thr (NM_000296.4); short protein forms M1092T.
Identifiers: ClinVar variation 256947 (VCV000256947.19), dbSNP rs2549677, ClinGen allele CA7832866.
Genomic context (GRCh38, chr16:2,112,360, plus strand): 5'-GCCTGAAAGGCAGTGGCCCCCTCACCCCCTCATCCCTCACCTGGGGCAGCGTAGGTGTGC[A>G]TGACATTGTGCTCCACCAGCACCTGGGCCACCGAGGGGTCTGGAACCGGGAAGGACTCGT-3'
Protein context (NP_001009944.3, residues 1082-1102): VAQVLVEHNV[Met1092Thr]HTYAAPGEYL